The following is an entry in ClinVar:

ClinVar aggregate classification (germline): Benign (0 of 4 stars; one submission).

Conditions:
MUC16-related disorder. Also called: MUC16-related condition.

Allele frequency attached by ClinVar (database versions not stated): ExAC 0.00185; gnomAD 0.00571; ESP Exome Variant Server 0.00592; 1000 Genomes Project 0.00759; 1000 Genomes Project 30x 0.00796.

Submission:

PreventionGenetics, part of Exact Sciences
Classification: Benign for MUC16-related condition. Last evaluated: 2019-09-10. Review status: no assertion criteria provided. Collection method: clinical testing. Allele origin: germline.
Comment: This variant is classified as benign based on ACMG/AMP sequence variant interpretation guidelines (Richards et al. 2015 PMID: 25741868, with internal and published modifications).

NM_001401501.2(MUC16):c.39832+7G>A

Gene: MUC16 (mucin 16, cell surface associated; minus strand). Cytogenetic location: 19p13.2.
Variant type: single nucleotide variant.
Coding change: c.39832+7G>A on transcript NM_001401501.2 (MANE Select); 7 bases into the intron after coding-DNA position 39832, G replaced by A.
Molecular consequence: intron variant.
Genome position (GRCh38, 1-based): chr19:8,895,959, C>T on the plus strand (G>A on the coding strand, the complement: MUC16 is on the minus strand). VCF-style: chr19-8895959-C-T. GRCh37 (hg19) VCF-style: chr19-9006635-C-T.
Other names: c.40258+7G>A (NM_001414686.1); c.39712+7G>A (NM_001414687.1); c.39606+7G>A (NM_024690.2).
Identifiers: ClinVar variation 3041003 (VCV003041003.2), dbSNP rs73493681, ClinGen allele CA9163966.
Genomic context (GRCh38, chr19:8,895,959, plus strand): 5'-CATATAGGTGACATAGGTGGGACTAGGTAAGGTGGATAGGGCAGAGTGAGATAGGTGGGG[C>T]TCTTACCAGACCCTGCAGAACACTCTCCGTGATGTTGAACTTCCTGGAGCCAGGGTGACC-3'